The following is an entry in ClinVar:

NM_000921.5(PDE3A):c.1961C>A (p.Ser654Ter)

Gene: PDE3A (phosphodiesterase 3A; plus strand). Cytogenetic location: 12p12.2.
Variant type: single nucleotide variant.
Coding change: c.1961C>A on transcript NM_000921.5 (MANE Select); coding-DNA position 1961, C replaced by A.
Protein change: p.Ser654Ter; replaces serine 654 with a stop codon.
Molecular consequence: nonsense.
Genome position (GRCh38, 1-based): chr12:20,635,016, C>A. VCF-style: chr12-20635016-C-A. GRCh37 (hg19) VCF-style: chr12-20787950-C-A.
Other names: c.995C>A, p.Ser332Ter (NM_001244683.2, NM_001378409.1); c.1655C>A, p.Ser552Ter (NM_001378407.1); c.998C>A, p.Ser333Ter (NM_001378408.1); short protein forms S332*, S333*, S552*, S654*.
Identifiers: ClinVar variation 4680966 (VCV004680966.1).

ClinVar aggregate classification (germline): Uncertain significance (1 of 4 stars; one submission).

Submission:

GeneDx
Classification: Uncertain significance. Last evaluated: 2025-07-02. Review status: criteria provided, single submitter. Criteria: GeneDx Variant Classification Process June 2021. Collection method: clinical testing. Allele origin: germline. Affected: yes.
Comment: Not observed at significant frequency in large population cohorts (gnomAD); Has not been previously published as pathogenic or benign to our knowledge; Nonsense variant predicted to result in protein truncation or nonsense mediated decay in a gene or region of a gene for which loss-of-function is not an established mechanism of disease